The following is an entry in ClinVar:

ClinVar aggregate classification (germline): Benign/Likely benign. Review status: criteria provided, multiple submitters, no conflicts (2 of 4 stars). 6 submissions from 6 submitters: Benign (4); Likely benign (2). Last evaluated 2026-07-01.

Conditions:
Retinal disorder. Also called: Retinopathies; Retinal Diseases; Retinal disorders; Retinopathy. Identifiers: MedGen C0035309, MONDO:0005283, HP:0000488.
Joubert syndrome. Also called: Familial aplasia of the vermis; JOUBERT-BOLTSHAUSER SYNDROME. Identifiers: Orphanet 475, MedGen C5979921, MONDO:0018772.

Allele frequency attached by ClinVar (database versions not stated): 1000 Genomes Project 0.00339; 1000 Genomes Project 30x 0.00375; TOPMed 0.00620; gnomAD 0.00707; ESP Exome Variant Server 0.00869.
gnomAD v4.1: 15,532 of 1,593,840 alleles (0.97%); highest among the groups gnomAD compares: Non-Finnish European, 1.2%; 98 homozygotes.

Submissions (6):

CeGaT Center for Human Genetics Tuebingen
Classification: Benign. Last evaluated: 2026-07-01. Review status: criteria provided, single submitter. Criteria: CeGaT Center For Human Genetics Tuebingen Variant Classification Criteria Version 2. Collection method: clinical testing. Allele origin: germline. Affected: yes. Observed: 31 variant alleles.
Comment: AHI1: BS1, BS2

Labcorp Genetics (formerly Invitae), Labcorp
Classification: Benign for Joubert syndrome. Last evaluated: 2026-02-03. Review status: criteria provided, single submitter. Criteria: Invitae Variant Classification Sherloc (09022015). Collection method: clinical testing. Allele origin: germline.

Blueprint Genetics
Classification: Likely benign. Last evaluated: 2024-11-26. Review status: criteria provided, single submitter. Criteria: ACMG Guidelines, 2015. Collection method: clinical testing. Allele origin: germline.

Genetics Laboratory, Great Ormond Street Hospital NHS Foundation Trust, North Thames Genomic Laboratory Hub
Classification: Benign for Retinal disorders. Last evaluated: 2024-10-23. Review status: criteria provided, single submitter. Criteria: ACGS Best Practice Guidelines for Variant Classification in Rare Disease 2024 v1.2. Collection method: clinical testing. Allele origin: germline. Affected: yes.
Comment: BS1_strong, BS2_strong

GeneDx
Classification: Benign. Last evaluated: 2017-02-02. Review status: criteria provided, single submitter. Criteria: GeneDx Variant Classification (06012015). Collection method: clinical testing. Allele origin: germline. Affected: yes.
Comment: This variant is considered likely benign or benign based on one or more of the following criteria: it is a conservative change, it occurs at a poorly conserved position in the protein, it is predicted to be benign by multiple in silico algorithms, and/or has population frequency not consistent with disease.

PreventionGenetics, part of Exact Sciences
Classification: Likely benign. Review status: criteria provided, single submitter. Criteria: ACMG Guidelines, 2015. Collection method: clinical testing. Allele origin: germline.

NM_001134831.2(AHI1):c.2962-16A>G

Gene: AHI1 (Abelson helper integration site 1; minus strand). Cytogenetic location: 6q23.3.
Variant type: single nucleotide variant.
Coding change: c.2962-16A>G on transcript NM_001134831.2 (MANE Select); 16 bases into the intron before coding-DNA position 2962, A replaced by G.
Molecular consequence: intron variant.
Genome position (GRCh38, 1-based): chr6:135,404,993, T>C on the plus strand (A>G on the coding strand, the complement: AHI1 is on the minus strand). VCF-style: chr6-135404993-T-C. GRCh37 (hg19) VCF-style: chr6-135726131-T-C.
Other names: c.2962-16A>G (NM_001134830.2, NM_001350503.2, NM_017651.5 and 2 more transcripts).
Identifiers: ClinVar variation 260852 (VCV000260852.41), dbSNP rs41287056, ClinGen allele CA4012207.